The following is an entry in ClinVar:

ClinVar aggregate classification (germline): Likely pathogenic (1 of 4 stars; one submission).

Conditions:
Allan-Herndon-Dudley syndrome (AHDS). Also called: MENTAL RETARDATION AND MUSCULAR ATROPHY; T3 RESISTANCE; TRIIODOTHYRONINE RESISTANCE; Passos-Bueno syndrome; ALLAN-HERNDON SYNDROME. Identifiers: Orphanet 59, MedGen C0795889, MONDO:0010354, OMIM 300523.

Submission:

Juno Genomics, Hangzhou Juno Genomics, Inc
Classification: Likely pathogenic for Allan-Herndon-Dudley syndrome. Review status: criteria provided, single submitter. Criteria: ACMG Guidelines, 2015. Collection method: clinical testing. Allele origin: germline. Affected: yes.
Comment: Absent from controls (or at extremely low frequency if recessive) in Genome Aggregation Database, Exome Sequencing Project, 1000 Genomes Project, or Exome Aggregation Consortium.;Multiple lines of computational evidence support a deleterious effect on the gene or gene product (conservation, evolutionary, splicing impact, etc).;De novo (both maternity and paternity confirmed) in a patient with the disease and no family history.;Patient's phenotype or family history is highly specific for a disease with a single genetic etiology.

NM_006517.5(SLC16A2):c.1026G>C (p.Leu342=)

Gene: SLC16A2 (solute carrier family 16 member 2; plus strand). Cytogenetic location: Xq13.2.
Variant type: single nucleotide variant.
Coding change: c.1026G>C on transcript NM_006517.5 (MANE Select); coding-DNA position 1026, G replaced by C.
Protein change: p.Leu342=; no amino-acid change (leucine 342 retained).
Molecular consequence: synonymous variant.
Genome position (GRCh38, 1-based): chrX:74,524,809, G>C. VCF-style: chrX-74524809-G-C. GRCh37 (hg19) VCF-style: chrX-73744644-G-C.
Identifiers: ClinVar variation 4796514 (VCV004796514.1).